The following is an entry in ClinVar:

NM_000271.5(NPC1):c.1631G>A (p.Trp544Ter)

Gene: NPC1 (NPC intracellular cholesterol transporter 1; minus strand). Cytogenetic location: 18q11.2.
Variant type: single nucleotide variant.
Coding change: c.1631G>A on transcript NM_000271.5 (MANE Select); coding-DNA position 1631, G replaced by A.
Protein change: p.Trp544Ter; replaces tryptophan 544 with a stop codon.
Molecular consequence: nonsense.
Genome position (GRCh38, 1-based): chr18:23,551,650, C>T on the plus strand (G>A on the coding strand, the complement: NPC1 is on the minus strand). VCF-style: chr18-23551650-C-T. GRCh37 (hg19) VCF-style: chr18-21131614-C-T.
Other names: short protein forms W544*.
Identifiers: ClinVar variation 2915518 (VCV002915518.3), dbSNP rs2511262669, ClinGen allele CA401774764.

ClinVar aggregate classification (germline): Pathogenic (1 of 4 stars; one submission).

Conditions:
Niemann-Pick disease, type C1. Also called: NEUROVISCERAL STORAGE DISEASE WITH VERTICAL SUPRANUCLEAR OPHTHALMOPLEGIA; NIEMANN-PICK DISEASE WITH CHOLESTEROL ESTERIFICATION BLOCK; NIEMANN-PICK DISEASE WITHOUT SPHINGOMYELINASE DEFICIENCY; NIEMANN-PICK DISEASE, CHRONIC NEURONOPATHIC FORM; NIEMANN-PICK DISEASE, VARIANT TYPE C1. Identifiers: Orphanet 646, MedGen C3179455, MONDO:0009757, OMIM 257220.

Submission:

Labcorp Genetics (formerly Invitae), Labcorp
Classification: Pathogenic for Niemann-Pick disease, type C1. Last evaluated: 2023-10-23. Review status: criteria provided, single submitter. Criteria: Invitae Variant Classification Sherloc (09022015). Collection method: clinical testing. Allele origin: germline.
Comment: This sequence change creates a premature translational stop signal (p.Trp544*) in the NPC1 gene. It is expected to result in an absent or disrupted protein product. Loss-of-function variants in NPC1 are known to be pathogenic (PMID: 9211850). This variant is not present in population databases (gnomAD no frequency). This variant has not been reported in the literature in individuals affected with NPC1-related conditions. Algorithms developed to predict the effect of sequence changes on RNA splicing suggest that this variant may disrupt the consensus splice site. For these reasons, this variant has been classified as Pathogenic.

Literature cited by the submitters: PubMed 9211850.